The following is an entry in ClinVar:

ClinVar aggregate classification (germline): Benign/Likely benign. Review status: criteria provided, multiple submitters, no conflicts (2 of 4 stars). 13 submissions from 13 submitters: Benign (5); Likely benign (4). 4 of the submissions do not count toward it. Last evaluated 2026-02-04.

Conditions:
Acyl-CoA dehydrogenase 9 deficiency. Also called: Acyl-CoA dehydrogenase family, member 9, deficiency of; MITOCHONDRIAL COMPLEX I DEFICIENCY, NUCLEAR TYPE 20. Identifiers: Orphanet 99901, MedGen C4747517, MONDO:0012624, OMIM 611126.

Allele frequency attached by ClinVar (database versions not stated): 1000 Genomes Project 0.00779; 1000 Genomes Project 30x 0.00796; TOPMed 0.01324; ESP Exome Variant Server 0.01522; gnomAD 0.02662.
gnomAD v4.1: 29,241 of 1,614,070 alleles (1.8%); highest among the groups gnomAD compares: Middle Eastern, 2.5%; 411 homozygotes.

Submissions (13):

Labcorp Genetics (formerly Invitae), Labcorp
Classification: Benign. Last evaluated: 2026-02-04. Review status: criteria provided, single submitter. Criteria: Invitae Variant Classification Sherloc (09022015). Collection method: clinical testing. Allele origin: germline.

SIB Swiss Institute of Bioinformatics
Classification: Likely benign for Acyl-CoA dehydrogenase 9 deficiency. Last evaluated: 2025-03-11. Review status: criteria provided, single submitter. Criteria: ACMG Guidelines, 2015. Collection method: curation. Allele origin: germline. Inheritance: Autosomal recessive inheritance.
Comment: This variant is interpreted as likely benign for Mitochondrial complex I deficiency due to ACAD9 deficiency, autosomal recessive. This variant is found in population databases (gnomAD v4.1.0) at a frequency greater than expected for the disorder (BS1) and is observed at homozygosity in 411 individuals in gnomAD v4.1.0 (BS2_supporting).

Laboratory of Genetics, Children's Clinical University Hospital Latvia
Classification: Likely benign. Last evaluated: 2025-02-16. Review status: criteria provided, single submitter. Criteria: ACMG Guidelines, 2015. Collection method: clinical testing. Allele origin: germline. Affected: yes.

Blueprint Genetics
Classification: Likely benign. Last evaluated: 2024-11-26. Review status: criteria provided, single submitter. Criteria: ACMG Guidelines, 2015. Collection method: clinical testing. Allele origin: germline.

ARUP Laboratories, Molecular Genetics and Genomics, ARUP Laboratories
Classification: Benign for Acyl-CoA dehydrogenase 9 deficiency. Last evaluated: 2023-10-23. Review status: criteria provided, single submitter. Criteria: ARUP Molecular Germline Variant Investigation Process 2024. Collection method: clinical testing. Allele origin: germline.

Women's Health and Genetics/Laboratory Corporation of America, LabCorp
Classification: Likely benign. Last evaluated: 2021-12-10. Review status: criteria provided, single submitter. Criteria: LabCorp Variant Classification Summary - May 2015. Collection method: clinical testing. Allele origin: germline.

Genome-Nilou Lab
Classification: Benign for Acyl-CoA dehydrogenase 9 deficiency. Last evaluated: 2021-05-18. Review status: criteria provided, single submitter. Criteria: ACMG Guidelines, 2015. Collection method: clinical testing. Allele origin: germline. Affected: no.

Illumina Laboratory Services, Illumina
Classification: Benign for Acyl-CoA dehydrogenase 9 deficiency. Last evaluated: 2018-03-06. Review status: criteria provided, single submitter. Criteria: ICSL Variant Classification Criteria 13 December 2019. Collection method: clinical testing. Allele origin: germline.
Comment: This variant was observed in the ICSL laboratory as part of a predisposition screen in an ostensibly healthy population. It had not been previously curated by ICSL or reported in the Human Gene Mutation Database (HGMD: prior to June 1st, 2018), and was therefore a candidate for classification through an automated scoring system. Utilizing variant allele frequency, disease prevalence and penetrance estimates, and inheritance mode, an automated score was calculated to assess if this variant is too frequent to cause the disease. Based on the score and internal cut-off values, a variant classified as benign is not then subjected to further curation. The score for this variant resulted in a classification of benign for this disease.

GeneDx
Classification: Benign. Last evaluated: 2012-07-20. Review status: criteria provided, single submitter. Criteria: GeneDx Variant Classification (06012015). Collection method: clinical testing. Allele origin: germline. Affected: yes.
Comment: This variant is considered likely benign or benign based on one or more of the following criteria: it is a conservative change, it occurs at a poorly conserved position in the protein, it is predicted to be benign by multiple in silico algorithms, and/or has population frequency not consistent with disease.

Natera, Inc.
Classification: Benign for ACAD9 deficiency. Last evaluated: 2020-09-16. Review status: no assertion criteria provided. Collection method: clinical testing. Allele origin: germline. Not counted in ClinVar's aggregate classification.

Mayo Clinic Laboratories, Mayo Clinic
Classification: Benign. Last evaluated: 2017-10-31. Review status: no assertion criteria provided. Collection method: clinical testing. Allele origin: unknown. Not counted in ClinVar's aggregate classification.

Diagnostic Laboratory, Department of Genetics, University Medical Center Groningen
Classification: Benign. Review status: no assertion criteria provided. Collection method: clinical testing. Allele origin: germline. Affected: yes. Study: VKGL Data-share Consensus. Not counted in ClinVar's aggregate classification.

Genome Diagnostics Laboratory, University Medical Center Utrecht
Classification: Benign. Review status: no assertion criteria provided. Collection method: clinical testing. Allele origin: germline. Affected: yes. Study: VKGL Data-share Consensus. Not counted in ClinVar's aggregate classification.

NM_014049.5(ACAD9):c.976G>A (p.Ala326Thr)

Gene: ACAD9 (acyl-CoA dehydrogenase family member 9; plus strand). Cytogenetic location: 3q21.3.
Variant type: single nucleotide variant.
Coding change: c.976G>A on transcript NM_014049.5 (MANE Select); coding-DNA position 976, G replaced by A.
Protein change: p.Ala326Thr; replaces alanine 326 with threonine.
Molecular consequence: missense variant. On other transcripts: non-coding transcript variant (1).
Genome position (GRCh38, 1-based): chr3:128,904,079, G>A. VCF-style: chr3-128904079-G-A. GRCh37 (hg19) VCF-style: chr3-128622922-G-A.
Other names: p.A326T:GCC>ACC; NM_014049.4(ACAD9):c.976G>A(p.Ala326Thr); NM_014049.4:c.976G>A(p.Ala326Thr); NM_014049.4:c.976G>A (p.Ala326Thr); short protein forms A326T.
Identifiers: ClinVar variation 136253 (VCV000136253.38), dbSNP rs115532916, ClinGen allele CA289241.